The following is an entry in ClinVar:

NM_002691.4(POLD1):c.2430G>A (p.Ala810=)

Gene: POLD1 (DNA polymerase delta 1, catalytic subunit; plus strand). Cytogenetic location: 19q13.33.
Variant type: single nucleotide variant.
Coding change: c.2430G>A on transcript NM_002691.4 (MANE Select); coding-DNA position 2430, G replaced by A.
Protein change: p.Ala810=; no amino-acid change (alanine 810 retained).
Molecular consequence: synonymous variant. On other transcripts: non-coding transcript variant (1).
Genome position (GRCh38, 1-based): chr19:50,414,856, G>A. VCF-style: chr19-50414856-G-A. GRCh37 (hg19) VCF-style: chr19-50918113-G-A.
Other names: c.2430G>A, p.Ala810= (NM_001256849.1); c.2508G>A, p.Ala836= (NM_001308632.1).
Identifiers: ClinVar variation 469260 (VCV000469260.24), dbSNP rs763386334, ClinGen allele CA9596521.

ClinVar aggregate classification (germline): Likely benign. Review status: criteria provided, multiple submitters, no conflicts (2 of 4 stars). 6 submissions from 6 submitters: Likely benign (5). 1 of the submissions does not count toward it. Last evaluated 2025-12-08.

Conditions:
POLD1-related disorder. Also called: POLD1-related condition; POLD1-related disorders.
Hereditary cancer-predisposing syndrome. Also called: Neoplastic Syndromes, Hereditary; Hereditary neoplastic syndrome; Tumor predisposition; Hereditary Cancer Syndrome. Identifiers: Orphanet 140162, MedGen C0027672, MeSH D009386, MONDO:0015356.
POLD1-related polyposis and colorectal cancer syndrome (CRCS10). Also called: Colorectal cancer 10; COLORECTAL CANCER, SUSCEPTIBILITY TO, ON CHROMOSOME 19q; Colorectal cancer, susceptibility to, 10. Identifiers: Orphanet 220460, MedGen C2675481, MONDO:0012953, OMIM 612591.

Allele frequency attached by ClinVar (database versions not stated): gnomAD exomes 0.00002; ExAC 0.00003.
gnomAD v4.1: 19 of 1,598,680 alleles (0.0012%); highest among the groups gnomAD compares: South Asian, 0.0045%; no homozygotes.

Submissions (6):

Labcorp Genetics (formerly Invitae), Labcorp
Classification: Likely benign for POLD1-related polyposis and colorectal cancer syndrome. Last evaluated: 2025-12-08. Review status: criteria provided, single submitter. Criteria: Invitae Variant Classification Sherloc (09022015). Collection method: clinical testing. Allele origin: germline.

Center for Genomic Medicine, Rigshospitalet, Copenhagen University Hospital
Classification: Likely benign. Last evaluated: 2025-03-04. Review status: criteria provided, single submitter. Criteria: ACMG Guidelines, 2015. Collection method: clinical testing. Allele origin: germline.

Blueprint Genetics
Classification: Likely benign. Last evaluated: 2023-08-11. Review status: criteria provided, single submitter. Criteria: ACMG Guidelines, 2015. Collection method: clinical testing. Allele origin: germline.

GeneDx
Classification: Likely benign. Last evaluated: 2018-03-19. Review status: criteria provided, single submitter. Criteria: GeneDx Variant Classification (06012015). Collection method: clinical testing. Allele origin: germline. Affected: yes.
Comment: This variant is considered likely benign or benign based on one or more of the following criteria: it is a conservative change, it occurs at a poorly conserved position in the protein, it is predicted to be benign by multiple in silico algorithms, and/or has population frequency not consistent with disease.

Ambry Genetics
Classification: Likely benign for Hereditary cancer-predisposing syndrome. Last evaluated: 2016-01-10. Review status: criteria provided, single submitter. Criteria: Ambry Variant Classification Scheme 2023. Collection method: clinical testing. Allele origin: germline.

PreventionGenetics, part of Exact Sciences
Classification: Likely benign for POLD1-related condition. Last evaluated: 2024-02-28. Review status: no assertion criteria provided. Collection method: clinical testing. Allele origin: germline. Not counted in ClinVar's aggregate classification.
Comment: This variant is classified as likely benign based on ACMG/AMP sequence variant interpretation guidelines (Richards et al. 2015 PMID: 25741868, with internal and published modifications).